The following is an entry in ClinVar:

ClinVar aggregate classification (germline): Uncertain significance. Review status: criteria provided, multiple submitters, no conflicts (2 of 4 stars). 2 submissions from 2 submitters: Uncertain significance (2). Last evaluated 2026-08-16.

Conditions:
Hereditary cancer-predisposing syndrome. Also called: Neoplastic Syndromes, Hereditary; Hereditary Cancer Syndrome; Hereditary neoplastic syndrome; Tumor predisposition. Identifiers: Orphanet 140162, MedGen C0027672, MeSH D009386, MONDO:0015356.
Tuberous sclerosis 2 (TSC2). Identifiers: Orphanet 805, MedGen C1860707, MONDO:0013199, OMIM 613254.

Submissions (2):

Ambry Genetics
Classification: Uncertain significance for Hereditary cancer-predisposing syndrome. Last evaluated: 2026-08-16. Review status: criteria provided, single submitter. Criteria: Ambry Variant Classification Scheme 2023. Collection method: clinical testing. Allele origin: germline.
Comment: The p.P1158T variant (also known as c.3472C>A), located in coding exon 29 of the TSC2 gene, results from a C to A substitution at nucleotide position 3472. The proline at codon 1158 is replaced by threonine, an amino acid with highly similar properties. This amino acid position is conserved. In addition, this alteration is predicted to be tolerated by in silico analysis. Based on the available evidence, the clinical significance of this variant remains unclear.

Labcorp Genetics (formerly Invitae), Labcorp
Classification: Uncertain significance for Tuberous sclerosis 2. Last evaluated: 2018-09-06. Review status: criteria provided, single submitter. Criteria: Invitae Variant Classification Sherloc (09022015). Collection method: clinical testing. Allele origin: germline.
Comment: This sequence change replaces proline with threonine at codon 1158 of the TSC2 protein (p.Pro1158Thr). The proline residue is weakly conserved and there is a small physicochemical difference between proline and threonine. This variant is not present in population databases (ExAC no frequency). This variant has not been reported in the literature in individuals with TSC2-related disease. Algorithms developed to predict the effect of missense changes on protein structure and function output the following: SIFT: "Tolerated"; PolyPhen-2: "Benign"; Align-GVGD: "Class C0". The threonine amino acid residue is found in multiple mammalian species, suggesting that this missense change does not adversely affect protein function. These predictions have not been confirmed by published functional studies and their clinical significance is uncertain. In summary, the available evidence is currently insufficient to determine the role of this variant in disease. Therefore, it has been classified as a Variant of Uncertain Significance.

NM_000548.5(TSC2):c.3472C>A (p.Pro1158Thr)

Gene: TSC2 (TSC complex subunit 2; plus strand). Cytogenetic location: 16p13.3.
Variant type: single nucleotide variant.
Coding change: c.3472C>A on transcript NM_000548.5 (MANE Select); coding-DNA position 3472, C replaced by A.
Protein change: p.Pro1158Thr; replaces proline 1158 with threonine.
Molecular consequence: missense variant.
Genome position (GRCh38, 1-based): chr16:2,080,239, C>A. VCF-style: chr16-2080239-C-A. GRCh37 (hg19) VCF-style: chr16-2130240-C-A.
Other names: c.3340C>A, p.Pro1114Thr (NM_001077183.3, NM_001370404.1); c.3472C>A, p.Pro1158Thr (NM_001114382.3); c.3232C>A, p.Pro1078Thr (NM_001318827.2); c.3196C>A, p.Pro1066Thr (NM_001318829.2); c.2740C>A, p.Pro914Thr (NM_001318831.2); c.3373C>A, p.Pro1125Thr (NM_001318832.2); c.3343C>A, p.Pro1115Thr (NM_001363528.2, NM_001370405.1, NM_021055.3); short protein forms P1114T, P1115T, P1125T, P1158T, P914T, P1066T, P1078T.
Identifiers: ClinVar variation 643697 (VCV000643697.9), dbSNP rs759350468, ClinGen allele CA394288934.